The following is an entry in ClinVar:

NM_001080442.3(SLC38A8):c.440C>G (p.Ala147Gly)

Gene: SLC38A8 (solute carrier family 38 member 8; minus strand). Cytogenetic location: 16q23.3.
Variant type: single nucleotide variant.
Coding change: c.440C>G on transcript NM_001080442.3 (MANE Select); coding-DNA position 440, C replaced by G.
Protein change: p.Ala147Gly; replaces alanine 147 with glycine.
Molecular consequence: missense variant.
Genome position (GRCh38, 1-based): chr16:84,033,418, G>C on the plus strand (C>G on the coding strand, the complement: SLC38A8 is on the minus strand). VCF-style: chr16-84033418-G-C. GRCh37 (hg19) VCF-style: chr16-84067023-G-C.
Other names: c.440C>G (NM_001080442.2); short protein forms A147G.
Identifiers: ClinVar variation 1602546 (VCV001602546.11), dbSNP rs56802364, ClinGen allele CA8200284.
Genomic context (GRCh38, chr16:84,033,418, plus strand): 5'-GGGGCAGACAGGGGCAGGATGACCAGCACGGAGAGCAGGGGCAGGGTGAAGCGCTGGTCT[G>C]CGTACCACGGCTGCGGGGCGGGCGGGGTGCCAGACAGGAGGGAGTCACACACTGCCAGAG-3'
Protein context (NP_001073911.1, residues 137-157): GTPPAPQPWY[Ala147Gly]DQRFTLPLLS

ClinVar aggregate classification (germline): Benign. Review status: criteria provided, multiple submitters, no conflicts (2 of 4 stars). 3 submissions from 3 submitters: Benign (2). 1 of the submissions does not count toward it. Last evaluated 2026-02-02.

Conditions:
SLC38A8-related disorder. Also called: SLC38A8-related condition.

Allele frequency attached by ClinVar (database versions not stated): 1000 Genomes Project 0.03474; ESP Exome Variant Server 0.03693; 1000 Genomes Project 30x 0.03732.
gnomAD v4.1: 9,422 of 1,613,014 alleles (0.58%); highest among the groups gnomAD compares: African/African-American, 11%; 469 homozygotes.

Submissions (3):

Labcorp Genetics (formerly Invitae), Labcorp
Classification: Benign. Last evaluated: 2026-02-02. Review status: criteria provided, single submitter. Criteria: Invitae Variant Classification Sherloc (09022015). Collection method: clinical testing. Allele origin: germline.

Breakthrough Genomics
Classification: Benign. Review status: criteria provided, single submitter. Criteria: ACMG Guidelines, 2015. Collection method: not provided. Allele origin: germline. Inheritance: Autosomal recessive inheritance. Affected: yes.

PreventionGenetics, part of Exact Sciences
Classification: Benign for SLC38A8-related condition. Last evaluated: 2019-04-02. Review status: no assertion criteria provided. Collection method: clinical testing. Allele origin: germline. Not counted in ClinVar's aggregate classification.
Comment: This variant is classified as benign based on ACMG/AMP sequence variant interpretation guidelines (Richards et al. 2015 PMID: 25741868, with internal and published modifications).